The following is an entry in ClinVar:

NM_032228.6(FAR1):c.304A>G (p.Ile102Val)

Gene: FAR1 (fatty acyl-CoA reductase 1; plus strand). Cytogenetic location: 11p15.3.
Variant type: single nucleotide variant.
Coding change: c.304A>G on transcript NM_032228.6 (MANE Select); coding-DNA position 304, A replaced by G.
Protein change: p.Ile102Val; replaces isoleucine 102 with valine.
Molecular consequence: missense variant.
Genome position (GRCh38, 1-based): chr11:13,700,431, A>G. VCF-style: chr11-13700431-A-G. GRCh37 (hg19) VCF-style: chr11-13721978-A-G.
Other names: c.304A>G (NM_032228.5); short protein forms I102V.
Identifiers: ClinVar variation 1376691 (VCV001376691.9), dbSNP rs370085498, ClinGen allele CA5893288.

ClinVar aggregate classification (germline): Uncertain significance. Review status: criteria provided, multiple submitters, no conflicts (2 of 4 stars). 3 submissions from 3 submitters: Uncertain significance (3). Last evaluated 2026-01-14.

Conditions:
Inborn genetic diseases. Identifiers: MedGen C0950123, MeSH D030342.

Allele frequency attached by ClinVar (database versions not stated): gnomAD 0.00003 and 0.00004; gnomAD exomes 0.00004 and 0.00009; TOPMed 0.00005; ExAC 0.00006; ESP Exome Variant Server 0.00008.
gnomAD v4.1: 68 of 1,593,230 alleles (0.0043%); highest among the groups gnomAD compares: Non-Finnish European, 0.0054%; no homozygotes.

Submissions (3):

Labcorp Genetics (formerly Invitae), Labcorp
Classification: Uncertain significance. Last evaluated: 2026-01-14. Review status: criteria provided, single submitter. Criteria: Invitae Variant Classification Sherloc (09022015). Collection method: clinical testing. Allele origin: germline.
Comment: This sequence change replaces isoleucine, which is neutral and non-polar, with valine, which is neutral and non-polar, at codon 102 of the FAR1 protein (p.Ile102Val). This variant is present in population databases (rs370085498, gnomAD 0.02%). This variant has not been reported in the literature in individuals affected with FAR1-related conditions. ClinVar contains an entry for this variant (Variation ID: 1376691). Invitae Evidence Modeling of protein sequence and biophysical properties (such as structural, functional, and spatial information, amino acid conservation, physicochemical variation, residue mobility, and thermodynamic stability) indicates that this missense variant is not expected to disrupt FAR1 protein function with a negative predictive value of 80%. In summary, the available evidence is currently insufficient to determine the role of this variant in disease. Therefore, it has been classified as a Variant of Uncertain Significance.

Ambry Genetics
Classification: Uncertain significance for Inborn genetic diseases. Last evaluated: 2024-05-02. Review status: criteria provided, single submitter. Criteria: Ambry Variant Classification Scheme 2023. Collection method: clinical testing. Allele origin: germline.

Blueprint Genetics
Classification: Uncertain significance. Last evaluated: 2024-04-09. Review status: criteria provided, single submitter. Criteria: ACMG Guidelines, 2015. Collection method: clinical testing. Allele origin: germline.